The following is an entry in ClinVar:

NM_001165963.4(SCN1A):c.3183T>A (p.Cys1061Ter)

Genes: SCN1A (sodium voltage-gated channel alpha subunit 1; minus strand), LOC102724058 (uncharacterized LOC102724058; plus strand). Cytogenetic location: 2q24.3.
Variant type: single nucleotide variant.
Coding change: c.3183T>A on transcript NM_001165963.4 (MANE Select); coding-DNA position 3183, T replaced by A.
Protein change: p.Cys1061Ter; replaces cysteine 1061 with a stop codon.
Molecular consequence: nonsense. On other transcripts: non-coding transcript variant (2).
Genome position (GRCh38, 1-based): chr2:166,036,294, A>T on the plus strand (T>A on the coding strand, the complement: SCN1A is on the minus strand). VCF-style: chr2-166036294-A-T. GRCh37 (hg19) VCF-style: chr2-166892804-A-T.
Other names: c.3150T>A, p.Cys1050Ter (NM_001353952.2, NM_006920.6, NM_001353949.2 and 2 more transcripts); c.3147T>A, p.Cys1049Ter (NM_001353954.2, NM_001353955.2); c.3099T>A, p.Cys1033Ter (NM_001353957.2, NM_001353958.2, NM_001165964.3); c.3096T>A, p.Cys1032Ter (NM_001353960.2); c.741T>A, p.Cys247Ter (NM_001353961.2); c.3183T>A, p.Cys1061Ter (NM_001202435.3, NM_001353948.2); short protein forms C1032*, C1050*, C1061*, C1049*, C247*, C1033*.
Identifiers: ClinVar variation 960031 (VCV000960031.10), dbSNP rs1553540294, ClinGen allele CA349059629.

ClinVar aggregate classification (germline): Pathogenic (1 of 4 stars; one submission).

Conditions:
Early-infantile DEE. Also called: Early infantile epileptic encephalopathy; Ohtahara syndrome; Early infantile epileptic encephalopathy with suppression bursts. Identifiers: Orphanet 1934, MedGen C0393706, MONDO:0800491.

Submission:

Labcorp Genetics (formerly Invitae), Labcorp
Classification: Pathogenic for Early-infantile DEE. Last evaluated: 2019-10-18. Review status: criteria provided, single submitter. Criteria: Invitae Variant Classification Sherloc (09022015). Collection method: clinical testing. Allele origin: germline.
Comment: This sequence change creates a premature translational stop signal (p.Cys1061*) in the SCN1A gene. It is expected to result in an absent or disrupted protein product. This variant is not present in population databases (ExAC no frequency). This variant has been observed in individual(s) with Dravet syndrome (PMID: 18930999). In at least one individual the variant was observed to be de novo. For these reasons, this variant has been classified as Pathogenic. Loss-of-function variants in SCN1A are known to be pathogenic (PMID: 17347258, 18930999).

Literature cited by the submitters: PubMed 18930999; PubMed 17347258.